The following is an entry in ClinVar:

NM_138927.4(SON):c.1807G>C (p.Ala603Pro)

Gene: SON (SON DNA and RNA binding protein; plus strand). Cytogenetic location: 21q22.11.
Variant type: single nucleotide variant.
Coding change: c.1807G>C on transcript NM_138927.4 (MANE Select); coding-DNA position 1807, G replaced by C.
Protein change: p.Ala603Pro; replaces alanine 603 with proline.
Molecular consequence: missense variant. On other transcripts: non-coding transcript variant (1), intron variant (1).
Genome position (GRCh38, 1-based): chr21:33,551,038, G>C. VCF-style: chr21-33551038-G-C. GRCh37 (hg19) VCF-style: chr21-34923344-G-C.
Other names: c.1807G>C, p.Ala603Pro (NM_001291411.2, NM_032195.3); c.244+4659G>C (NM_001291412.3); short protein forms A603P.
Identifiers: ClinVar variation 1698294 (VCV001698294.2), dbSNP rs2145821249, ClinGen allele CA410155345.
Genomic context (GRCh38, chr21:33,551,038, plus strand): 5'-GAGTTGTCGGGGCAGCCTGTGGCAACTGGGGCACTAGAGTTGCCTGGGCCGCTCATGGCA[G>C]CTGGGGCACTGGAGTTCTCGGGGCAGTCTGGGGCAGCTGGAGCACTGGAGCTTTTGGGGC-3'
Protein context (NP_620305.3, residues 593-613): ALELPGPLMA[Ala603Pro]GALEFSGQSG

ClinVar aggregate classification (germline): Uncertain significance (1 of 4 stars; one submission).

Allele frequency attached by ClinVar (database versions not stated): gnomAD exomes 0.00001.

Submission:

GeneDx
Classification: Uncertain significance. Last evaluated: 2022-01-21. Review status: criteria provided, single submitter. Criteria: GeneDx Variant Classification Process June 2021. Collection method: clinical testing. Allele origin: germline. Affected: yes.
Comment: Not observed at significant frequency in large population cohorts (gnomAD); In silico analysis supports that this missense variant does not alter protein structure/function; Has not been previously published as pathogenic or benign to our knowledge